The following is an entry in ClinVar:

ClinVar aggregate classification (germline): Benign. Review status: criteria provided, multiple submitters, no conflicts (2 of 4 stars). 6 submissions from 6 submitters: Benign (4). 2 of the submissions do not count toward it. Last evaluated 2026-01-25.

Conditions:
Cataract 10 multiple types. Also called: CATARACT 10, CONGENITAL ZONULAR, WITH SUTURAL OPACITIES. Identifiers: Orphanet 91492, MedGen C1833229, MONDO:0010948, OMIM 600881.

Allele frequency attached by ClinVar (database versions not stated): gnomAD exomes 0.21331; ExAC 0.21706; ESP Exome Variant Server 0.22028; gnomAD 0.22069 and 0.22497; TOPMed 0.22538; 1000 Genomes Project 0.29073; 1000 Genomes Project 30x 0.29154.
gnomAD v4.1: 312,158 of 1,613,442 alleles (19%); highest among the groups gnomAD compares: South Asian, 35%; 33,265 homozygotes.

Submissions (6):

Labcorp Genetics (formerly Invitae), Labcorp
Classification: Benign for Cataract 10 multiple types. Last evaluated: 2026-01-25. Review status: criteria provided, single submitter. Criteria: Invitae Variant Classification Sherloc (09022015). Collection method: clinical testing. Allele origin: germline.

GeneDx
Classification: Benign. Last evaluated: 2018-04-02. Review status: criteria provided, single submitter. Criteria: GeneDx Variant Classification (06012015). Collection method: clinical testing. Allele origin: germline. Affected: yes.
Comment: This variant is considered likely benign or benign based on one or more of the following criteria: it is a conservative change, it occurs at a poorly conserved position in the protein, it is predicted to be benign by multiple in silico algorithms, and/or has population frequency not consistent with disease.

Breakthrough Genomics
Classification: Benign. Review status: criteria provided, single submitter. Criteria: ACMG Guidelines, 2015. Collection method: not provided. Allele origin: germline. Inheritance: Autosomal dominant inheritance. Affected: yes.

PreventionGenetics, part of Exact Sciences
Classification: Benign. Review status: criteria provided, single submitter. Criteria: ACMG Guidelines, 2015. Collection method: clinical testing. Allele origin: germline.

Diagnostic Laboratory, Department of Genetics, University Medical Center Groningen
Classification: Benign. Review status: no assertion criteria provided. Collection method: clinical testing. Allele origin: germline. Affected: yes. Study: VKGL Data-share Consensus. Not counted in ClinVar's aggregate classification.

Joint Genome Diagnostic Labs from Nijmegen and Maastricht, Radboudumc and MUMC+
Classification: Benign. Review status: no assertion criteria provided. Collection method: clinical testing. Allele origin: germline. Affected: yes. Study: VKGL Data-share Consensus. Not counted in ClinVar's aggregate classification.

NM_005208.5(CRYBA1):c.456C>T (p.Gly152=)

Gene: CRYBA1 (crystallin beta A1; plus strand). Cytogenetic location: 17q11.2.
Variant type: single nucleotide variant.
Coding change: c.456C>T on transcript NM_005208.5 (MANE Select); coding-DNA position 456, C replaced by T.
Protein change: p.Gly152=; no amino-acid change (glycine 152 retained).
Molecular consequence: synonymous variant.
Genome position (GRCh38, 1-based): chr17:29,253,738, C>T. VCF-style: chr17-29253738-C-T. GRCh37 (hg19) VCF-style: chr17-27580756-C-T.
Identifiers: ClinVar variation 259672 (VCV000259672.14), dbSNP rs1047790, ClinGen allele CA8473790.